The following is an entry in ClinVar:

ClinVar aggregate classification (germline): Pathogenic (1 of 4 stars; one submission).

Conditions:
Jeune thoracic dystrophy. Also called: Jeune syndrome; Infantile thoracic dystrophy; Thoracic pelvic phalangeal dystrophy; Jeune's syndrome; Chondroectodermal dysplasia-like syndrome; Short-rib thoracic dysplasia. Identifiers: Orphanet 474, MedGen C0265275, MONDO:0018770.

Submission:

Labcorp Genetics (formerly Invitae), Labcorp
Classification: Pathogenic for Jeune thoracic dystrophy. Last evaluated: 2024-10-07. Review status: criteria provided, single submitter. Criteria: Invitae Variant Classification Sherloc (09022015). Collection method: clinical testing. Allele origin: germline.
Comment: This sequence change creates a premature translational stop signal (p.Leu43*) in the IFT80 gene. It is expected to result in an absent or disrupted protein product. Loss-of-function variants in IFT80 are known to be pathogenic (PMID: 21227999, 23339108, 29068549). This variant is not present in population databases (gnomAD no frequency). This variant has not been reported in the literature in individuals affected with IFT80-related conditions. For these reasons, this variant has been classified as Pathogenic.

Literature cited by the submitters: PubMed 21227999; PubMed 23339108; PubMed 29068549.

NM_020800.3(IFT80):c.128T>G (p.Leu43Ter)

Genes: IFT80 (intraflagellar transport 80; minus strand), TRIM59-IFT80 (TRIM59-IFT80 readthrough (NMD candidate); minus strand). Cytogenetic location: 3q25.33.
Variant type: single nucleotide variant.
Coding change: c.128T>G on transcript NM_020800.3 (MANE Select); coding-DNA position 128, T replaced by G.
Protein change: p.Leu43Ter; replaces leucine 43 with a stop codon.
Molecular consequence: nonsense. On other transcripts: non-coding transcript variant (2), 5 prime UTR variant (2).
Genome position (GRCh38, 1-based): chr3:160,381,634, A>C on the plus strand (T>G on the coding strand, the complement: IFT80 is on the minus strand). VCF-style: chr3-160381634-A-C. GRCh37 (hg19) VCF-style: chr3-160099422-A-C.
Other names: c.-284T>G (NM_001190241.2, NM_001190242.2); short protein forms L43*.
Identifiers: ClinVar variation 2751676 (VCV002751676.3), dbSNP rs2473512064, ClinGen allele CA355195009.